The following is an entry in ClinVar:

NM_000545.8(HNF1A):c.-187C>A

Gene: HNF1A (HNF1 homeobox A; plus strand). Cytogenetic location: 12q24.31.
Variant type: single nucleotide variant.
Coding change: c.-187C>A on transcript NM_000545.8 (MANE Select); 187 bases upstream of the start codon, C replaced by A.
Molecular consequence: 5 prime UTR variant.
Genome position (GRCh38, 1-based): chr12:120,978,582, C>A. VCF-style: chr12-120978582-C-A. GRCh37 (hg19) VCF-style: chr12-121416385-C-A.
Other names: NM_001306179.2:c.-187C>A; c.-187C>A (NM_001306179.2).
Identifiers: ClinVar variation 1327602 (VCV001327602.4), dbSNP rs970766228, ClinGen allele CA2480594443.

ClinVar aggregate classification (germline): Uncertain significance (3 of 4 stars; one submission).

Conditions:
Monogenic diabetes. Identifiers: Orphanet 183625, MedGen C3888631, MONDO:0015967.

gnomAD v4.1: 1 of 650,216 alleles (0.00015%); highest among the groups gnomAD compares: Non-Finnish European, 0.00028%; no homozygotes.

Submission:

ClinGen Monogenic Diabetes Variant Curation Expert Panel
Classification: Uncertain significance for Monogenic diabetes. Last evaluated: 2025-07-24. Review status: reviewed by expert panel. Criteria: ClinGen Diabetes ACMG Specifications HNF1A V3.0.0. Collection method: curation. Allele origin: germline. Inheritance: Autosomal dominant inheritance.
Comment: The c.-187C>A variant in the HNF1 homeobox A gene, HNF1A, is a single nucleotide variant within the promoter of NM_000545.8. This variant is located within the API binding site (c.-187 to c.-195) of HNF1A, which is defined as critical for the protein’s function by the ClinGen MDEP (PM1_Supporting). This variant has an incomputable gnomAD v4.1.0 Grpmax filtering allele frequency due to 1 copy in the European non-Finnish subpopulation and 0 copies in any other subpopulation, thereby meeting the ClinGen MDEP threshold criteria for PM2_Supporting (PM2_Supporting). This variant was identified in an individual with a clinical history highly specific for HNF1A-monogenic diabetes (MODY probability calculator result >50%, negative genetic testing for HNF4A) (PP4; internal lab contributor). In summary, c.-187C>A meets the criteria to be classified as a variant of uncertain significance for monogenic diabetes. ACMG/AMP criteria applied, as specified by the ClinGen MDEP VCEP (specification version 3.0.0, approved 6/30/2025): PP4, PM1_Supporting, PM2_Supporting).